The following is an entry in ClinVar:

ClinVar aggregate classification (germline): Uncertain significance. Review status: criteria provided, multiple submitters, no conflicts (2 of 4 stars). 2 submissions from 2 submitters: Uncertain significance (2). Last evaluated 2025-04-30.

Conditions:
Autosomal dominant hypocalcemia 2. Identifiers: Orphanet 2238, Orphanet 428, MedGen C3809243, MONDO:0014146, OMIM 615361.
Familial hypocalciuric hypercalcemia 2. Also called: FAMILIAL BENIGN HYPERCALCEMIA, TYPE II; Hypocalciuric hypercalcemia, familial, type II; Hypocalciuric hypercalcemia, type II. Identifiers: Orphanet 101049, Orphanet 405, MedGen C1840347, MONDO:0007792, OMIM 145981.

Allele frequency attached by ClinVar (database versions not stated): gnomAD 0.00002; TOPMed 0.00003; gnomAD exomes 0.00004 and 0.00007; ExAC 0.00012.
gnomAD v4.1: 59 of 1,605,950 alleles (0.0037%); highest among the groups gnomAD compares: South Asian, 0.0079%; no homozygotes.

Submissions (2):

Labcorp Genetics (formerly Invitae), Labcorp
Classification: Uncertain significance. Last evaluated: 2025-04-30. Review status: criteria provided, single submitter. Criteria: Invitae Variant Classification Sherloc (09022015). Collection method: clinical testing. Allele origin: germline.
Comment: This sequence change falls in intron 4 of the GNA11 gene. It does not directly change the encoded amino acid sequence of the GNA11 protein. It affects a nucleotide within the consensus splice site. This variant is present in population databases (rs759838121, gnomAD 0.01%). This variant has not been reported in the literature in individuals affected with GNA11-related conditions. ClinVar contains an entry for this variant (Variation ID: 1380445). Variants that disrupt the consensus splice site are a relatively common cause of aberrant splicing (PMID: 17576681, 9536098). Algorithms developed to predict the effect of sequence changes on RNA splicing suggest that this variant is not likely to affect RNA splicing. In summary, the available evidence is currently insufficient to determine the role of this variant in disease. Therefore, it has been classified as a Variant of Uncertain Significance.

Fulgent Genetics
Classification: Uncertain significance for Familial hypocalciuric hypercalcemia 2; Autosomal dominant hypocalcemia 2. Last evaluated: 2024-03-21. Review status: criteria provided, single submitter. Criteria: ACMG Guidelines, 2015. Collection method: clinical testing. Allele origin: germline.

Literature cited by the submitters: PubMed 17576681 (cited by Labcorp Genetics (formerly Invitae), Labcorp); PubMed 9536098 (cited by Labcorp Genetics (formerly Invitae), Labcorp).

NM_002067.5(GNA11):c.605+5C>T

Gene: GNA11 (G protein subunit alpha 11; plus strand). Cytogenetic location: 19p13.3.
Variant type: single nucleotide variant.
Coding change: c.605+5C>T on transcript NM_002067.5 (MANE Select); 5 bases into the intron after coding-DNA position 605, C replaced by T.
Molecular consequence: intron variant.
Genome position (GRCh38, 1-based): chr19:3,115,077, C>T. VCF-style: chr19-3115077-C-T. GRCh37 (hg19) VCF-style: chr19-3115075-C-T.
Identifiers: ClinVar variation 1380445 (VCV001380445.8), dbSNP rs759838121, ClinGen allele CA9074928.